The following is an entry in ClinVar:

NM_030958.3(SLCO5A1):c.911T>C (p.Ile304Thr)

Gene: SLCO5A1 (solute carrier organic anion transporter family member 5A1; minus strand). Cytogenetic location: 8q13.3.
Variant type: single nucleotide variant.
Coding change: c.911T>C on transcript NM_030958.3 (MANE Select); coding-DNA position 911, T replaced by C.
Protein change: p.Ile304Thr; replaces isoleucine 304 with threonine.
Molecular consequence: missense variant.
Genome position (GRCh38, 1-based): chr8:69,761,872, A>G on the plus strand (T>C on the coding strand, the complement: SLCO5A1 is on the minus strand). VCF-style: chr8-69761872-A-G. GRCh37 (hg19) VCF-style: chr8-70674107-A-G.
Other names: c.911T>C, p.Ile304Thr (NM_001146008.2, NM_001146009.1); short protein forms I304T.
Identifiers: ClinVar variation 2844771 (VCV002844771.3), dbSNP rs756377098, ClinGen allele CA4776704.

ClinVar aggregate classification (germline): Uncertain significance (1 of 4 stars; one submission).

Allele frequency attached by ClinVar (database versions not stated): gnomAD exomes 0.00002; ExAC 0.00003; TOPMed below 0.00001.
gnomAD v4.1: 13 of 1,611,788 alleles (0.00081%); highest among the groups gnomAD compares: Admixed American, 0.0017%; no homozygotes.

Submission:

Labcorp Genetics (formerly Invitae), Labcorp
Classification: Uncertain significance. Last evaluated: 2025-07-22. Review status: criteria provided, single submitter. Criteria: Invitae Variant Classification Sherloc (09022015). Collection method: clinical testing. Allele origin: germline.
Comment: This sequence change replaces isoleucine, which is neutral and non-polar, with threonine, which is neutral and polar, at codon 304 of the SLCO5A1 protein (p.Ile304Thr). This variant is present in population databases (rs756377098, gnomAD 0.005%). This variant has not been reported in the literature in individuals affected with SLCO5A1-related conditions. ClinVar contains an entry for this variant (Variation ID: 2844771). An algorithm developed to predict the effect of missense changes on protein structure and function (PolyPhen-2) suggests that this variant is likely to be disruptive. In summary, the available evidence is currently insufficient to determine the role of this variant in disease. Therefore, it has been classified as a Variant of Uncertain Significance.